The following is an entry in ClinVar:

ClinVar aggregate classification (germline): Uncertain significance (1 of 4 stars; one submission).

Conditions:
Breast-ovarian cancer, familial, susceptibility to, 1 (BROVCA1). Also called: OVARIAN CANCER, SUSCEPTIBILITY TO; BRCA1 Hereditary Breast and Ovarian Cancer. Identifiers: Orphanet 145, MedGen C2676676, MONDO:0011450, OMIM 604370. Disease mechanism: loss of function.

Submission:

Dasa
Classification: Uncertain significance for Breast-ovarian cancer, familial, susceptibility to, 1. Last evaluated: 2025-04-24. Review status: criteria provided, single submitter. Criteria: DASA Assertion Criteria. Collection method: clinical testing. Allele origin: germline.
Comment: NM_007294.4(BRCA1):c.5152+6del is a splice-region variant. This variant is absent from population databases. Computational prediction algorithms are consistent with a deleterious effect. The currently available literature and clinical evidence are not sufficient to establish a definitive association between this variant and the reported condition. Therefore, this variant is classified as a variant of uncertain significance.

NM_007294.4(BRCA1):c.5152+6del

Gene: BRCA1 (BRCA1 DNA repair associated; minus strand). Cytogenetic location: 17q21.31.
Variant type: Deletion.
Coding change: c.5152+6del on transcript NM_007294.4 (MANE Select); 6 bases into the intron after coding-DNA position 5152, one base deleted (T; older notation c.5152+6delT).
Molecular consequence: intron variant.
Genome position (GRCh38, 1-based): chr17:43,063,868, A deleted on the plus strand (T on the coding strand, the reverse complement: BRCA1 is on the minus strand). VCF-style (leftmost placement, unchanged base first): chr17-43063867-TA-T. GRCh37 (hg19) VCF-style: chr17-41215884-TA-T.
Other names: c.5011+6del (NM_001407694.1, NM_001407696.1, NM_001407725.1 and 13 more transcripts); c.1699+6del (NM_001408465.1, NM_001408463.1, NM_001408458.1 and 7 more transcripts); c.1630+6del (NM_001408482.1, NM_001408484.1, NM_001408483.1 and 5 more transcripts); c.4888+6del (NM_001407920.1, NM_001407923.1, NM_001407922.1 and 4 more transcripts); c.5008+6del (NM_001407751.1, NM_001407740.1, NM_001407739.1 and 21 more transcripts); c.4816+6del (NM_001407954.1, NM_001407952.1, NM_001407950.1 and 3 more transcripts); c.1576+6del (NM_001408504.1, NM_001408503.1, NM_001408502.1); c.5005+6del (NM_001407847.1, NM_001407841.1, NM_001407848.1 and 12 more transcripts); and 73 more.
Identifiers: ClinVar variation 4883931 (VCV004883931.2).